The following is an entry in ClinVar:

ClinVar aggregate classification (germline): Pathogenic/Likely pathogenic. Review status: criteria provided, multiple submitters, no conflicts (2 of 4 stars). 2 submissions from 2 submitters: Pathogenic (1); Likely pathogenic (1). Last evaluated 2025-07-22.

Conditions:
Long chain 3-hydroxyacyl-CoA dehydrogenase deficiency. Also called: Deficiency of long-chain 3-hydroxyacyl-coenzyme A dehydrogenase; LCHAD Deficiency. Identifiers: Orphanet 5, MedGen C3711645, MONDO:0012173, OMIM 609016.
Mitochondrial trifunctional protein deficiency. Identifiers: Orphanet 746, MedGen C1969443, MONDO:0012172.
Mitochondrial trifunctional protein deficiency 1 (MTPD1). Identifiers: MedGen CN376812, MONDO:0958181, OMIM 609015.

Submissions (2):

Labcorp Genetics (formerly Invitae), Labcorp
Classification: Pathogenic for Mitochondrial trifunctional protein deficiency; Long chain 3-hydroxyacyl-CoA dehydrogenase deficiency. Last evaluated: 2025-07-22. Review status: criteria provided, single submitter. Criteria: Invitae Variant Classification Sherloc (09022015). Collection method: clinical testing. Allele origin: germline.
Comment: This sequence change creates a premature translational stop signal (p.Gly23Valfs*14) in the HADHA gene. It is expected to result in an absent or disrupted protein product. Loss-of-function variants in HADHA are known to be pathogenic (PMID: 7738175, 21103935, 21549624, 22459206). This variant is not present in population databases (gnomAD no frequency). This variant has not been reported in the literature in individuals affected with HADHA-related conditions. ClinVar contains an entry for this variant (Variation ID: 3586249). Algorithms developed to predict the effect of sequence changes on RNA splicing suggest that this variant may disrupt the consensus splice site. For these reasons, this variant has been classified as Pathogenic.

Fulgent Genetics
Classification: Likely pathogenic for Mitochondrial trifunctional protein deficiency 1; Long chain 3-hydroxyacyl-CoA dehydrogenase deficiency. Last evaluated: 2024-05-23. Review status: criteria provided, single submitter. Criteria: ACMG Guidelines, 2015. Collection method: clinical testing. Allele origin: germline.

Literature cited by the submitters: PubMed 7738175 (cited by Labcorp Genetics (formerly Invitae), Labcorp); PubMed 21103935 (cited by Labcorp Genetics (formerly Invitae), Labcorp); PubMed 21549624 (cited by Labcorp Genetics (formerly Invitae), Labcorp); PubMed 22459206 (cited by Labcorp Genetics (formerly Invitae), Labcorp).

NM_000182.5(HADHA):c.68del

Gene: HADHA (hydroxyacyl-CoA dehydrogenase trifunctional multienzyme complex subunit alpha; minus strand). Cytogenetic location: 2p23.3.
Variant type: Deletion.
Coding change: c.68del on transcript NM_000182.5 (MANE Select); coding-DNA position 68, one base deleted (G; older notation c.68delG).
Genome position (GRCh38, 1-based): chr2:26,239,143, C deleted on the plus strand (G on the coding strand, the reverse complement: HADHA is on the minus strand); the first of 2 consecutive C bases (chr2:26,239,143-26,239,144); deleting either gives the same sequence. VCF-style (leftmost placement, unchanged base first): chr2-26239142-AC-A. GRCh37 (hg19) VCF-style: chr2-26462010-AC-A.
Identifiers: ClinVar variation 3586249 (VCV003586249.2).